The following is an entry in ClinVar:

ClinVar aggregate classification (germline): Benign. Review status: criteria provided, single submitter (1 of 4 stars). 2 submissions from 1 submitter: Benign (2). Last evaluated 2018-01-13.

Conditions:
Craniometaphyseal dysplasia, autosomal dominant (CMDD). Identifiers: Orphanet 1522, MedGen C1852502, MONDO:0007397, OMIM 123000.
Chondrocalcinosis 2. Also called: CALCIUM GOUT; CALCIUM PYROPHOSPHATE ARTHROPATHY; Familial calcium pyrophosphate deposition. Identifiers: Orphanet 1416, MedGen C0856830, MONDO:0007319, OMIM 118600.

Allele frequency attached by ClinVar (database versions not stated): 1000 Genomes Project 30x 0.01218; TOPMed 0.01641; gnomAD 0.01911 and 0.01922; 1000 Genomes Project 0.01118.

Submissions (2):

Illumina Laboratory Services, Illumina
Classification: Benign for Chondrocalcinosis 2. Last evaluated: 2018-01-13. Review status: criteria provided, single submitter. Criteria: ICSL Variant Classification Criteria 13 December 2019. Collection method: clinical testing. Allele origin: germline.
Comment: This variant was observed in the ICSL laboratory as part of a predisposition screen in an ostensibly healthy population. It had not been previously curated by ICSL or reported in the Human Gene Mutation Database (HGMD: prior to June 1st, 2018), and was therefore a candidate for classification through an automated scoring system. Utilizing variant allele frequency, disease prevalence and penetrance estimates, and inheritance mode, an automated score was calculated to assess if this variant is too frequent to cause the disease. Based on the score and internal cut-off values, a variant classified as benign is not then subjected to further curation. The score for this variant resulted in a classification of benign for this disease.

Illumina Laboratory Services, Illumina
Classification: Benign for Craniometaphyseal dysplasia, autosomal dominant. Last evaluated: 2018-01-13. Review status: criteria provided, single submitter. Criteria: ICSL Variant Classification Criteria 13 December 2019. Collection method: clinical testing. Allele origin: germline.
Comment: the same text as in the submission from Illumina Laboratory Services, Illumina above.

NM_054027.6(ANKH):c.*4244T>A

Genes: ANKH (ANKH inorganic pyrophosphate transport regulator; minus strand), OTULIN (OTU deubiquitinase with linear linkage specificity; plus strand). Cytogenetic location: 5p15.2.
Variant type: single nucleotide variant.
Coding change: c.*4244T>A on transcript NM_054027.6 (MANE Select); 4244 bases downstream of the stop codon, T replaced by A.
Molecular consequence: 3 prime UTR variant.
Genome position (GRCh38, 1-based): chr5:14,706,953, A>T on the plus strand (T>A on the coding strand, the complement: ANKH is on the minus strand). VCF-style: chr5-14706953-A-T. GRCh37 (hg19) VCF-style: chr5-14707062-A-T.
Identifiers: ClinVar variation 351417 (VCV000351417.5), dbSNP rs137905502, ClinGen allele CA10622988.
Genomic context (GRCh38, chr5:14,706,953, plus strand): 5'-GATGTCTACAGAATGCAGGCAGGAGCTGCTGGCTTTGAACCGGCTGAATGTGCAATGCAG[A>T]CATCTCAACACTCCACGTCTTTCAAAGCTCTTCCTCACACTCCACTGCAATTTTGGTTCC-3'